The following is an entry in ClinVar:

ClinVar aggregate classification (germline): Uncertain significance. Review status: criteria provided, multiple submitters, no conflicts (2 of 4 stars). 3 submissions from 3 submitters: Uncertain significance (2). 1 of the submissions does not count toward it. Last evaluated 2025-12-14.

Conditions:
PLEC-related disorder. Also called: PLEC-related disorders; PLEC-related condition.
Epidermolysis bullosa simplex 5B, with muscular dystrophy (EBS5B). Also called: EPIDERMOLYSIS BULLOSA SIMPLEX AND LIMB-GIRDLE MUSCULAR DYSTROPHY; Epidermolysis bullosa simplex with muscular dystrophy. Identifiers: Orphanet 257, MedGen C2931072, MONDO:0009181, OMIM 226670.
Epidermolysis bullosa simplex, Ogna type (EBS5A). Also called: Pidermolysis bullosa simplex 5A, Ogna type; EPIDERMOLYSIS BULLOSA SIMPLEX 5A, OGNA TYPE. Identifiers: Orphanet 79401, MedGen C0432317, MONDO:0007555, OMIM 131950.
Autosomal recessive limb-girdle muscular dystrophy type 2Q (LGMDR17). Also called: MUSCULAR DYSTROPHY, LIMB-GIRDLE, AUTOSOMAL RECESSIVE 17. Identifiers: Orphanet 254361, MedGen C3150989, MONDO:0013390, OMIM 613723.
Epidermolysis bullosa simplex with nail dystrophy (EBS5D). Identifiers: MedGen C4225309, MONDO:0014661, OMIM 616487.
Epidermolysis bullosa simplex 5C, with pyloric atresia (EBS5C). Also called: PLEC-Related Epidermolysis Bullosa with Pyloric Atresia; Epidermolysis bullosa simplex with pyloric atresia; PLEC1-Related Epidermolysis Bullosa with Pyloric Atresia. Identifiers: Orphanet 158684, MedGen C2677349, MONDO:0012807, OMIM 612138.

Allele frequency attached by ClinVar (database versions not stated): ESP Exome Variant Server 0.00008; TOPMed 0.00014; gnomAD 0.00015 and 0.00022; gnomAD exomes 0.00021; ExAC 0.00022; 1000 Genomes Project 0.00140; 1000 Genomes Project 30x 0.00187.
gnomAD v4.1: 336 of 1,613,892 alleles (0.021%); highest among the groups gnomAD compares: East Asian, 0.15%; no homozygotes.

Submissions (3):

Labcorp Genetics (formerly Invitae), Labcorp
Classification: Uncertain significance for Autosomal recessive limb-girdle muscular dystrophy type 2Q; Epidermolysis bullosa simplex, Ogna type; Epidermolysis bullosa simplex with nail dystrophy; Epidermolysis bullosa simplex 5C, with pyloric atresia; Epidermolysis bullosa simplex 5B, with muscular dystrophy. Last evaluated: 2025-12-14. Review status: criteria provided, single submitter. Criteria: Invitae Variant Classification Sherloc (09022015). Collection method: clinical testing. Allele origin: germline.
Comment: This sequence change replaces arginine, which is basic and polar, with histidine, which is basic and polar, at codon 3518 of the PLEC protein (p.Arg3518His). This variant is present in population databases (rs374469690, gnomAD 0.2%). This variant has not been reported in the literature in individuals affected with PLEC-related conditions. ClinVar contains an entry for this variant (Variation ID: 579368). Invitae Evidence Modeling of protein sequence and biophysical properties (such as structural, functional, and spatial information, amino acid conservation, physicochemical variation, residue mobility, and thermodynamic stability) indicates that this missense variant is not expected to disrupt PLEC protein function with a negative predictive value of 80%. In summary, the available evidence is currently insufficient to determine the role of this variant in disease. Therefore, it has been classified as a Variant of Uncertain Significance.

Revvity Omics, Revvity
Classification: Uncertain significance. Last evaluated: 2023-08-14. Review status: criteria provided, single submitter. Criteria: ACMG Guidelines, 2015. Collection method: clinical testing. Allele origin: germline.

PreventionGenetics, part of Exact Sciences
Classification: Likely benign for PLEC-related condition. Last evaluated: 2024-03-22. Review status: no assertion criteria provided. Collection method: clinical testing. Allele origin: germline. Not counted in ClinVar's aggregate classification.
Comment: This variant is classified as likely benign based on ACMG/AMP sequence variant interpretation guidelines (Richards et al. 2015 PMID: 25741868, with internal and published modifications).

NM_201384.3(PLEC):c.10472G>A (p.Arg3491His)

Gene: PLEC (plectin; minus strand). Cytogenetic location: 8q24.3.
Variant type: single nucleotide variant.
Coding change: c.10472G>A on transcript NM_201384.3 (MANE Select); coding-DNA position 10472, G replaced by A.
Protein change: p.Arg3491His; replaces arginine 3491 with histidine.
Molecular consequence: missense variant.
Genome position (GRCh38, 1-based): chr8:143,919,349, C>T on the plus strand (G>A on the coding strand, the complement: PLEC is on the minus strand). VCF-style: chr8-143919349-C-T. GRCh37 (hg19) VCF-style: chr8-144993517-C-T.
Other names: c.10553G>A, p.Arg3518His (NM_000445.5); c.10430G>A, p.Arg3477His (NM_201378.4); c.10406G>A, p.Arg3469His (NM_201379.3); c.10883G>A, p.Arg3628His (NM_201380.4); c.10376G>A, p.Arg3459His (NM_201381.3); c.10472G>A, p.Arg3491His (NM_201382.4); c.10484G>A, p.Arg3495His (NM_201383.3); short protein forms R3459H, R3495H, R3469H, R3491H, R3518H, R3477H, R3628H.
Identifiers: ClinVar variation 579368 (VCV000579368.10), dbSNP rs374469690, ClinGen allele CA4924640.